The following is an entry in ClinVar:

NM_001854.4(COL11A1):c.4373T>C (p.Ile1458Thr)

Gene: COL11A1 (collagen type XI alpha 1 chain; minus strand). Cytogenetic location: 1p21.1.
Variant type: single nucleotide variant.
Coding change: c.4373T>C on transcript NM_001854.4 (MANE Select); coding-DNA position 4373, T replaced by C.
Protein change: p.Ile1458Thr; replaces isoleucine 1458 with threonine.
Molecular consequence: missense variant. On other transcripts: non-coding transcript variant (1).
Genome position (GRCh38, 1-based): chr1:102,889,546, A>G on the plus strand (T>C on the coding strand, the complement: COL11A1 is on the minus strand). VCF-style: chr1-102889546-A-G. GRCh37 (hg19) VCF-style: chr1-103355102-A-G.
Other names: c.4256T>C, p.Ile1419Thr (NM_001190709.2); c.4409T>C, p.Ile1470Thr (NM_080629.3); c.4025T>C, p.Ile1342Thr (NM_080630.4); short protein forms I1342T, I1419T, I1458T, I1470T.
Identifiers: ClinVar variation 982704 (VCV000982704.1), dbSNP rs1651478594, ClinGen allele CA341212762.
Genomic context (GRCh38, chr1:102,889,546, plus strand): 5'-GTTCCAGGGAGCCCTCGGTCACCTTTTTCCCCTTGTTCTCCTGGAGGACCAATCAGGCCA[A>G]TTAAACCAGGATGTCCCTTTGAAAGGCAGAGAAAAAAAATAATAACATGTACATTACTAT-3'
Protein context (NP_001845.3, residues 1448-1468): SKGEKGHPGL[Ile1458Thr]GLIGPPGEQG

ClinVar aggregate classification (germline): Uncertain significance (1 of 4 stars; one submission).

Conditions:
Marshall syndrome (MRSHS). Identifiers: Orphanet 560, MedGen C0265235, MONDO:0007949, OMIM 154780.

Allele frequency attached by ClinVar (database versions not stated): gnomAD exomes below 0.00001; gnomAD 0.00001.
gnomAD v4.1: 2 of 1,613,508 alleles (0.00012%); highest among the groups gnomAD compares: South Asian, 0.0011%; no homozygotes.

Submission:

Institute of Human Genetics, University of Leipzig Medical Center
Classification: Uncertain significance for Marshall syndrome. Last evaluated: 2019-01-01. Review status: criteria provided, single submitter. Criteria: ACMG Guidelines, 2015. Collection method: clinical testing. Allele origin: unknown. Affected: yes.
Comment: This variant was identified as compound heterozygous.